The following is an entry in ClinVar:

ClinVar aggregate classification (germline): Conflicting classifications of pathogenicity. Review status: criteria provided, conflicting classifications (1 of 4 stars). 3 submissions from 3 submitters: Uncertain significance (2); Likely benign (1). Last evaluated 2023-08-04.

Conditions:
Inborn genetic diseases. Identifiers: MedGen C0950123, MeSH D030342.
Charcot-Marie-Tooth disease axonal type 2O. Also called: CHARCOT-MARIE-TOOTH NEUROPATHY, AXONAL, TYPE 2O; CHARCOT-MARIE-TOOTH DISEASE, AXONAL, AUTOSOMAL DOMINANT, TYPE 2O; Charcot-Marie-Tooth disease, axonal, type 20; Charcot-Marie-Tooth Neuropathy Type 2O. Identifiers: Orphanet 284232, MedGen C3280220, MONDO:0013644, OMIM 614228.

Allele frequency attached by ClinVar (database versions not stated): gnomAD exomes below 0.00001 and 0.00001; ExAC 0.00001.
gnomAD v4.1: 6 of 1,613,002 alleles (0.00037%); highest among the groups gnomAD compares: Admixed American, 0.0017%; no homozygotes.

Submissions (3):

Labcorp Genetics (formerly Invitae), Labcorp
Classification: Likely benign for Charcot-Marie-Tooth disease axonal type 2O. Last evaluated: 2023-08-04. Review status: criteria provided, single submitter. Criteria: Invitae Variant Classification Sherloc (09022015). Collection method: clinical testing. Allele origin: germline.

Ambry Genetics
Classification: Uncertain significance for Inborn genetic diseases. Last evaluated: 2022-02-14. Review status: criteria provided, single submitter. Criteria: Ambry Variant Classification Scheme 2023. Collection method: clinical testing. Allele origin: germline.
Comment: The p.R798Q variant (also known as c.2393G>A), located in coding exon 8 of the DYNC1H1 gene, results from a G to A substitution at nucleotide position 2393. The arginine at codon 798 is replaced by glutamine, an amino acid with highly similar properties. This amino acid position is conserved. In addition, the in silico prediction for this alteration is inconclusive. Since supporting evidence is limited at this time, the clinical significance of this alteration remains unclear.

GeneDx
Classification: Uncertain significance. Last evaluated: 2017-09-05. Review status: criteria provided, single submitter. Criteria: GeneDx Variant Classification (06012015). Collection method: clinical testing. Allele origin: germline. Affected: yes.
Comment: The R798Q variant has not been published as a pathogenic variant, nor has it been reported as a benign variant to our knowledge. The R798Q variant is observed in 1/66,728 (0.002%) alleles from individuals of European background (Lek et al., 2016; 1000 Genomes Consortium et al., 2015; Exome Variant Server). This variant is a semi-conservative amino acid substitution, which may impact secondary protein structure as these residues differ in some properties. This substitution occurs at a position that is conserved across species; however, missense variants in nearby residues have not been reported in the Human Gene Mutation Database in association with DYNC1H1-related disorders (Stenson et al., 2014). In silico analysis is inconsistent in its predictions as to whether or not the variant is damaging to the protein structure/function.

NM_001376.5(DYNC1H1):c.2393G>A (p.Arg798Gln)

Gene: DYNC1H1 (dynein cytoplasmic 1 heavy chain 1; plus strand). Cytogenetic location: 14q32.31.
Variant type: single nucleotide variant.
Coding change: c.2393G>A on transcript NM_001376.5 (MANE Select); coding-DNA position 2393, G replaced by A.
Protein change: p.Arg798Gln; replaces arginine 798 with glutamine.
Molecular consequence: missense variant.
Genome position (GRCh38, 1-based): chr14:101,986,618, G>A. VCF-style: chr14-101986618-G-A. GRCh37 (hg19) VCF-style: chr14-102452955-G-A.
Other names: short protein forms R798Q.
Identifiers: ClinVar variation 451843 (VCV000451843.13), dbSNP rs768932305, ClinGen allele CA7351813.